The following is an entry in ClinVar:

NM_032603.5(LOXL3):c.1697G>A (p.Arg566His)

Gene: LOXL3 (lysyl oxidase like 3; minus strand). Cytogenetic location: 2p13.1.
Variant type: single nucleotide variant.
Coding change: c.1697G>A on transcript NM_032603.5 (MANE Select); coding-DNA position 1697, G replaced by A.
Protein change: p.Arg566His; replaces arginine 566 with histidine.
Molecular consequence: missense variant.
Genome position (GRCh38, 1-based): chr2:74,534,657, C>T on the plus strand (G>A on the coding strand, the complement: LOXL3 is on the minus strand). VCF-style: chr2-74534657-C-T. GRCh37 (hg19) VCF-style: chr2-74761784-C-T.
Other names: c.1262G>A, p.Arg421His (NM_001289164.3); c.614G>A, p.Arg205His (NM_001289165.2); short protein forms R205H, R566H, R421H.
Identifiers: ClinVar variation 1441834 (VCV001441834.5), dbSNP rs370672032, ClinGen allele CA1728819.

ClinVar aggregate classification (germline): Uncertain significance (1 of 4 stars; one submission).

Allele frequency attached by ClinVar (database versions not stated): gnomAD 0.00001; gnomAD exomes 0.00001 and 0.00002; ExAC 0.00002; TOPMed 0.00004; ESP Exome Variant Server 0.00008.
gnomAD v4.1: 18 of 1,614,044 alleles (0.0011%); highest among the groups gnomAD compares: Middle Eastern, 0.016%; no homozygotes.

Submission:

Labcorp Genetics (formerly Invitae), Labcorp
Classification: Uncertain significance. Last evaluated: 2022-08-21. Review status: criteria provided, single submitter. Criteria: Invitae Variant Classification Sherloc (09022015). Collection method: clinical testing. Allele origin: germline.
Comment: This sequence change replaces arginine, which is basic and polar, with histidine, which is basic and polar, at codon 566 of the LOXL3 protein (p.Arg566His). This variant is present in population databases (rs370672032, gnomAD 0.01%). This variant has not been reported in the literature in individuals affected with LOXL3-related conditions. ClinVar contains an entry for this variant (Variation ID: 1441834). Algorithms developed to predict the effect of missense changes on protein structure and function are either unavailable or do not agree on the potential impact of this missense change (SIFT: "Tolerated"; PolyPhen-2: "Probably Damaging"; Align-GVGD: "Class C0"). In summary, the available evidence is currently insufficient to determine the role of this variant in disease. Therefore, it has been classified as a Variant of Uncertain Significance.